The following is an entry in ClinVar:

ClinVar aggregate classification (germline): Likely benign (1 of 4 stars; one submission).

Allele frequency attached by ClinVar (database versions not stated): gnomAD exomes below 0.00001; ExAC 0.00001.
gnomAD v4.1: 2 of 1,613,770 alleles (0.00012%); highest among the groups gnomAD compares: Non-Finnish European, 0.00017%; no homozygotes.

Submission:

CeGaT Center for Human Genetics Tuebingen
Classification: Likely benign. Last evaluated: 2022-10-01. Review status: criteria provided, single submitter. Criteria: CeGaT Center For Human Genetics Tuebingen Variant Classification Criteria Version 2. Collection method: clinical testing. Allele origin: germline. Affected: yes. Observed: 1 variant allele.
Comment: ATP1A1: BP4

NM_000701.8(ATP1A1):c.1024-5T>C

Gene: ATP1A1 (ATPase Na+/K+ transporting subunit alpha 1; plus strand). Cytogenetic location: 1p13.1.
Variant type: single nucleotide variant.
Coding change: c.1024-5T>C on transcript NM_000701.8 (MANE Select); 5 bases into the intron before coding-DNA position 1024, T replaced by C.
Molecular consequence: intron variant.
Genome position (GRCh38, 1-based): chr1:116,390,208, T>C. VCF-style: chr1-116390208-T-C. GRCh37 (hg19) VCF-style: chr1-116932830-T-C.
Other names: c.1024-5T>C (NM_001160233.2); c.931-5T>C (NM_001160234.2).
Identifiers: ClinVar variation 2639015 (VCV002639015.24), dbSNP rs758647940, ClinGen allele CA1025228.